The following is an entry in ClinVar:

NM_022167.4(XYLT2):c.692C>T (p.Pro231Leu)

Gene: XYLT2 (xylosyltransferase 2; plus strand). Cytogenetic location: 17q21.33.
Variant type: single nucleotide variant.
Coding change: c.692C>T on transcript NM_022167.4 (MANE Select); coding-DNA position 692, C replaced by T.
Protein change: p.Pro231Leu; replaces proline 231 with leucine.
Molecular consequence: missense variant.
Genome position (GRCh38, 1-based): chr17:50,354,471, C>T. VCF-style: chr17-50354471-C-T. GRCh37 (hg19) VCF-style: chr17-48431832-C-T.
Other names: short protein forms P231L.
Identifiers: ClinVar variation 1936888 (VCV001936888.4), dbSNP rs773062021, ClinGen allele CA8646238.

ClinVar aggregate classification (germline): Uncertain significance. Review status: criteria provided, multiple submitters, no conflicts (2 of 4 stars). 2 submissions from 2 submitters: Uncertain significance (2). Last evaluated 2025-04-02.

Conditions:
Inborn genetic diseases. Identifiers: MedGen C0950123, MeSH D030342.

Allele frequency attached by ClinVar (database versions not stated): TOPMed 0.00001; ExAC 0.00001; gnomAD 0.00001; gnomAD exomes 0.00001.

Submissions (2):

Ambry Genetics
Classification: Uncertain significance for Inborn genetic diseases. Last evaluated: 2025-04-02. Review status: criteria provided, single submitter. Criteria: Ambry Variant Classification Scheme 2023. Collection method: clinical testing. Allele origin: germline.

Labcorp Genetics (formerly Invitae), Labcorp
Classification: Uncertain significance. Last evaluated: 2023-07-07. Review status: criteria provided, single submitter. Criteria: Invitae Variant Classification Sherloc (09022015). Collection method: clinical testing. Allele origin: germline.
Comment: Algorithms developed to predict the effect of missense changes on protein structure and function output the following: SIFT: "Not Available"; PolyPhen-2: "Benign"; Align-GVGD: "Not Available". The leucine amino acid residue is found in multiple mammalian species, which suggests that this missense change does not adversely affect protein function. ClinVar contains an entry for this variant (Variation ID: 1936888). This variant has not been reported in the literature in individuals affected with XYLT2-related conditions. This variant is present in population databases (rs773062021, gnomAD 0.01%). This sequence change replaces proline, which is neutral and non-polar, with leucine, which is neutral and non-polar, at codon 231 of the XYLT2 protein (p.Pro231Leu). In summary, the available evidence is currently insufficient to determine the role of this variant in disease. Therefore, it has been classified as a Variant of Uncertain Significance.